The following is an entry in ClinVar:

ClinVar aggregate classification (germline): Uncertain significance (1 of 4 stars; one submission).

Conditions:
Hereditary cancer-predisposing syndrome. Also called: Neoplastic Syndromes, Hereditary; Hereditary Cancer Syndrome; Hereditary neoplastic syndrome; Tumor predisposition. Identifiers: Orphanet 140162, MedGen C0027672, MeSH D009386, MONDO:0015356.

Submission:

Ambry Genetics
Classification: Uncertain significance for Hereditary cancer-predisposing syndrome. Last evaluated: 2023-05-06. Review status: criteria provided, single submitter. Criteria: Ambry Variant Classification Scheme 2023. Collection method: clinical testing. Allele origin: germline.
Comment: The p.H1449N variant (also known as c.4345C>A), located in coding exon 22 of the DICER1 gene, results from a C to A substitution at nucleotide position 4345. The histidine at codon 1449 is replaced by asparagine, an amino acid with similar properties. This amino acid position is conserved. In addition, the in silico prediction for this alteration is inconclusive. Since supporting evidence is limited at this time, the clinical significance of this alteration remains unclear.

NM_177438.3(DICER1):c.4345C>A (p.His1449Asn)

Gene: DICER1 (dicer 1, ribonuclease III; minus strand). Cytogenetic location: 14q32.13.
Variant type: single nucleotide variant.
Coding change: c.4345C>A on transcript NM_177438.3 (MANE Select); coding-DNA position 4345, C replaced by A.
Protein change: p.His1449Asn; replaces histidine 1449 with asparagine.
Molecular consequence: missense variant. On other transcripts: non-coding transcript variant (6).
Genome position (GRCh38, 1-based): chr14:95,096,575, G>T on the plus strand (C>A on the coding strand, the complement: DICER1 is on the minus strand). VCF-style: chr14-95096575-G-T. GRCh37 (hg19) VCF-style: chr14-95562912-G-T.
Other names: c.4345C>A, p.His1449Asn (NM_001195573.1, NM_001271282.3, NM_001291628.2 and 13 more transcripts); c.4063C>A, p.His1355Asn (NM_001395686.1); c.3940C>A, p.His1314Asn (NM_001395687.1, NM_001395688.1, NM_001395689.1 and 2 more transcripts); c.3778C>A, p.His1260Asn (NM_001395691.1); c.2662C>A, p.His888Asn (NM_001395697.1); short protein forms H1355N, H1449N, H1260N, H888N, H1314N.
Identifiers: ClinVar variation 2566191 (VCV002566191.2), dbSNP rs2139852472, ClinGen allele CA390869213.